The following is an entry in ClinVar:

ClinVar aggregate classification (germline): Uncertain significance (1 of 4 stars; one submission).

Conditions:
Familial encephalopathy with neuroserpin inclusion bodies. Also called: ENCEPHALOPATHY, FAMILIAL, WITH COLLINS BODIES. Identifiers: Orphanet 85110, MedGen C1858680, MONDO:0011412, OMIM 604218.

Submission:

Labcorp Genetics (formerly Invitae), Labcorp
Classification: Uncertain significance for Familial encephalopathy with neuroserpin inclusion bodies. Last evaluated: 2021-12-13. Review status: criteria provided, single submitter. Criteria: Invitae Variant Classification Sherloc (09022015). Collection method: clinical testing. Allele origin: germline.
Comment: Algorithms developed to predict the effect of missense changes on protein structure and function are either unavailable or do not agree on the potential impact of this missense change (SIFT: "Not Available"; PolyPhen-2: "Benign"; Align-GVGD: "Not Available"). In summary, the available evidence is currently insufficient to determine the role of this variant in disease. Therefore, it has been classified as a Variant of Uncertain Significance. This variant has not been reported in the literature in individuals affected with SERPINI1-related conditions. This variant is present in population databases (no rsID available, gnomAD 0.04%). This sequence change replaces serine, which is neutral and polar, with leucine, which is neutral and non-polar, at codon 326 of the SERPINI1 protein (p.Ser326Leu).

NM_001122752.2(SERPINI1):c.976_977delinsCT (p.Ser326Leu)

Gene: SERPINI1 (serpin family I member 1; plus strand). Cytogenetic location: 3q26.1.
Variant type: Indel.
Coding change: c.976_977delinsCT on transcript NM_001122752.2 (MANE Select); coding-DNA positions 976 to 977, TC replaced by CT.
Protein change: p.Ser326Leu; replaces serine 326 with leucine.
Molecular consequence: missense variant.
Genome position (GRCh38, 1-based): chr3:167,807,338-167,807,339, TC replaced by CT. VCF-style: chr3-167807338-TC-CT. GRCh37 (hg19) VCF-style: chr3-167525126-TC-CT.
Other names: c.976_977delinsCT, p.Ser326Leu (NM_005025.5); short protein forms S326L.
Identifiers: ClinVar variation 1405792 (VCV001405792.6), dbSNP rs2108567301, ClinGen allele CA2573136810.